The following is an entry in ClinVar:

NM_014967.5(FAN1):c.299dup (p.Lys101fs)

Gene: FAN1 (FANCD2 and FANCI associated nuclease 1; plus strand). Cytogenetic location: 15q13.3.
Variant type: Duplication.
Coding change: c.299dup on transcript NM_014967.5 (MANE Select); coding-DNA position 299, one base duplicated (A; older notation c.299dupA).
Protein change: p.Lys101fs; shifts the reading frame from lysine 101.
Molecular consequence: frameshift variant.
Genome position (GRCh38, 1-based): chr15:30,904,962, A duplicated; the last of 2 consecutive A bases (chr15:30,904,961-30,904,962); duplicating either gives the same sequence. VCF-style (leftmost placement, unchanged base first): chr15-30904960-T-TA. GRCh37 (hg19) VCF-style: chr15-31197163-T-TA.
Other names: c.299dup, p.Lys101fs (NM_001146094.2, NM_001146095.1, NM_001146096.2); short protein forms K101fs.
Identifiers: ClinVar variation 2854037 (VCV002854037.3), dbSNP rs2542572987, ClinGen allele CA2739279470.

ClinVar aggregate classification (germline): Pathogenic (1 of 4 stars; one submission).

Submission:

Labcorp Genetics (formerly Invitae), Labcorp
Classification: Pathogenic. Last evaluated: 2024-06-03. Review status: criteria provided, single submitter. Criteria: Invitae Variant Classification Sherloc (09022015). Collection method: clinical testing. Allele origin: germline.
Comment: This sequence change creates a premature translational stop signal (p.Lys101Glufs*15) in the FAN1 gene. It is expected to result in an absent or disrupted protein product. Loss-of-function variants in FAN1 are known to be pathogenic (PMID: 22772369). This variant is not present in population databases (gnomAD no frequency). This variant has not been reported in the literature in individuals affected with FAN1-related conditions. For these reasons, this variant has been classified as Pathogenic.

Literature cited by the submitters: PubMed 22772369.